The following is an entry in ClinVar:

ClinVar aggregate classification (germline): Uncertain significance (1 of 4 stars; one submission).

Allele frequency attached by ClinVar (database versions not stated): gnomAD exomes 0.00001; ExAC 0.00002.
gnomAD v4.1: 1 of 1,594,830 alleles (0.000063%); highest among the groups gnomAD compares: Admixed American, 0.0017%; no homozygotes.

Submission:

Labcorp Genetics (formerly Invitae), Labcorp
Classification: Uncertain significance. Last evaluated: 2021-05-25. Review status: criteria provided, single submitter. Criteria: Invitae Variant Classification Sherloc (09022015). Collection method: clinical testing. Allele origin: germline.
Comment: This sequence change replaces alanine with serine at codon 179 of the NEUROG3 protein (p.Ala179Ser). The alanine residue is moderately conserved and there is a moderate physicochemical difference between alanine and serine. This variant is present in population databases (rs752155684, ExAC 0.03%). This variant has not been reported in the literature in individuals with NEUROG3-related conditions. Algorithms developed to predict the effect of missense changes on protein structure and function (SIFT, PolyPhen-2, Align-GVGD) all suggest that this variant is likely to be tolerated, but these predictions have not been confirmed by published functional studies and their clinical significance is uncertain. In summary, the available evidence is currently insufficient to determine the role of this variant in disease. Therefore, it has been classified as a Variant of Uncertain Significance.

NM_020999.4(NEUROG3):c.535G>T (p.Ala179Ser)

Gene: NEUROG3 (neurogenin 3; minus strand). Cytogenetic location: 10q22.1.
Variant type: single nucleotide variant.
Coding change: c.535G>T on transcript NM_020999.4 (MANE Select); coding-DNA position 535, G replaced by T.
Protein change: p.Ala179Ser; replaces alanine 179 with serine.
Molecular consequence: missense variant.
Genome position (GRCh38, 1-based): chr10:69,572,509, C>A on the plus strand (G>T on the coding strand, the complement: NEUROG3 is on the minus strand). VCF-style: chr10-69572509-C-A. GRCh37 (hg19) VCF-style: chr10-71332265-C-A.
Other names: short protein forms A179S.
Identifiers: ClinVar variation 1440372 (VCV001440372.8), dbSNP rs752155684, ClinGen allele CA5533674.